The following is an entry in ClinVar:

NM_000719.7(CACNA1C):c.1585C>G (p.Leu529Val)

Gene: CACNA1C (calcium voltage-gated channel subunit alpha1 C; plus strand). Cytogenetic location: 12p13.33.
Variant type: single nucleotide variant.
Coding change: c.1585C>G on transcript NM_000719.7 (MANE Select); coding-DNA position 1585, C replaced by G.
Protein change: p.Leu529Val; replaces leucine 529 with valine.
Molecular consequence: missense variant.
Genome position (GRCh38, 1-based): chr12:2,566,498, C>G. VCF-style: chr12-2566498-C-G. GRCh37 (hg19) VCF-style: chr12-2675664-C-G.
Other names: c.1585C>G, p.Leu529Val (NM_001129827.2, NM_001129829.2, NM_001129830.3 and 18 more transcripts); c.1576C>G, p.Leu526Val (NM_001129844.2); short protein forms L526V, L529V.
Identifiers: ClinVar variation 3392772 (VCV003392772.1).

ClinVar aggregate classification (germline): Uncertain significance (1 of 4 stars; one submission).

Submission:

GeneDx
Classification: Uncertain significance. Last evaluated: 2024-06-26. Review status: criteria provided, single submitter. Criteria: GeneDx Variant Classification Process June 2021. Collection method: clinical testing. Allele origin: germline. Affected: yes.
Comment: Not observed at significant frequency in large population cohorts (gnomAD); In silico analysis supports that this missense variant has a deleterious effect on protein structure/function; Has not been previously published as pathogenic or benign to our knowledge